The following is an entry in ClinVar:

GRCh38/hg38 15q15.3(chr15:43596924-43715339)x1

Genes: CATSPER2 (cation channel sperm associated 2; minus strand), CKMT1A (creatine kinase, mitochondrial 1A; plus strand), CKMT1B (creatine kinase, mitochondrial 1B; plus strand), STRC (stereocilin; minus strand), LOC130056948 (ATAC-STARR-seq lymphoblastoid active region 9316; plus strand) and 1 more. Cytogenetic location: 15q15.3.
Variant type: copy number loss.
Change: copy number 1 (one copy instead of two) of chr15:43,596,924-43,715,339 (118.4 kb, GRCh38 coordinates, 1-based), cytogenetic band 15q15.3.
Identifiers: ClinVar variation 4796043 (VCV004796043.1).

ClinVar aggregate classification (germline): Uncertain significance (1 of 4 stars; one submission).

Submission:

Medical Genetic Center, Changzhi Maternal and Child Health Care Hospital
Classification: Uncertain significance. Last evaluated: 2025-12-10. Review status: criteria provided, single submitter. Criteria: ACMG/ClinGen CNV Guidelines, 2019. Collection method: clinical testing. Allele origin: unknown.
Comment: STRC deletion cariirer